The following is an entry in ClinVar:

ClinVar aggregate classification (germline): Likely benign. Review status: criteria provided, multiple submitters, no conflicts (2 of 4 stars). 2 submissions from 2 submitters: Likely benign (2). Last evaluated 2023-07-27.

Allele frequency attached by ClinVar (database versions not stated): ExAC 0.00002; gnomAD 0.00003; TOPMed 0.00005.
gnomAD v4.1: 37 of 1,614,084 alleles (0.0023%); highest among the groups gnomAD compares: East Asian, 0.016%; no homozygotes.

Submissions (2):

Labcorp Genetics (formerly Invitae), Labcorp
Classification: Likely benign. Last evaluated: 2023-07-27. Review status: criteria provided, single submitter. Criteria: Invitae Variant Classification Sherloc (09022015). Collection method: clinical testing. Allele origin: germline.

CeGaT Center for Human Genetics Tuebingen
Classification: Likely benign. Last evaluated: 2023-02-01. Review status: criteria provided, single submitter. Criteria: CeGaT Center For Human Genetics Tuebingen Variant Classification Criteria Version 2. Collection method: clinical testing. Allele origin: germline. Affected: yes. Observed: 1 variant allele.
Comment: AXL: BP4, BP7

NM_021913.5(AXL):c.2304G>C (p.Leu768=)

Gene: AXL (AXL receptor tyrosine kinase; plus strand). Cytogenetic location: 19q13.2.
Variant type: single nucleotide variant.
Coding change: c.2304G>C on transcript NM_021913.5 (MANE Select); coding-DNA position 2304, G replaced by C.
Protein change: p.Leu768=; no amino-acid change (leucine 768 retained).
Molecular consequence: synonymous variant.
Genome position (GRCh38, 1-based): chr19:41,257,600, G>C. VCF-style: chr19-41257600-G-C. GRCh37 (hg19) VCF-style: chr19-41763505-G-C.
Other names: c.1500G>C, p.Leu500= (NM_001278599.2); c.2277G>C, p.Leu759= (NM_001699.6).
Identifiers: ClinVar variation 738916 (VCV000738916.31), dbSNP rs376741284, ClinGen allele CA9458663.